The following is an entry in ClinVar:

ClinVar aggregate classification (germline): Benign/Likely benign. Review status: criteria provided, multiple submitters, no conflicts (2 of 4 stars). 3 submissions from 3 submitters: Benign (1); Likely benign (2). Last evaluated 2025-08-01.

Conditions:
Familial acute necrotizing encephalopathy (IIAE3). Also called: ENCEPHALOPATHY, ACUTE, INFECTION-INDUCED, SUSCEPTIBILITY TO, 3; Susceptibility to Acute Necrotizing Encephalopathy 1. Identifiers: Orphanet 88619, MedGen C2675556, MONDO:0011953, OMIM 608033.

Allele frequency attached by ClinVar (database versions not stated): gnomAD exomes 0.00021 and 0.00051; ExAC 0.00057; 1000 Genomes Project 0.00120; ESP Exome Variant Server 0.00135; 1000 Genomes Project 30x 0.00141; gnomAD 0.00175 and 0.00193; TOPMed 0.00210.
gnomAD v4.1: 583 of 1,610,794 alleles (0.036%); highest among the groups gnomAD compares: African/African-American, 0.63%; 3 homozygotes.

Submissions (3):

CeGaT Center for Human Genetics Tuebingen
Classification: Likely benign. Last evaluated: 2025-08-01. Review status: criteria provided, single submitter. Criteria: CeGaT Center For Human Genetics Tuebingen Variant Classification Criteria Version 2. Collection method: clinical testing. Allele origin: germline. Affected: yes. Observed: 1 variant allele.
Comment: RANBP2: BP4, BP7

Labcorp Genetics (formerly Invitae), Labcorp
Classification: Benign for Familial acute necrotizing encephalopathy. Last evaluated: 2024-10-29. Review status: criteria provided, single submitter. Criteria: Invitae Variant Classification Sherloc (09022015). Collection method: clinical testing. Allele origin: germline.

Blueprint Genetics
Classification: Likely benign. Last evaluated: 2024-07-18. Review status: criteria provided, single submitter. Criteria: ACMG Guidelines, 2015. Collection method: clinical testing. Allele origin: germline.

NM_006267.5(RANBP2):c.1536G>A (p.Pro512=)

Gene: RANBP2 (RAN binding protein 2; plus strand). Cytogenetic location: 2q13.
Variant type: single nucleotide variant.
Coding change: c.1536G>A on transcript NM_006267.5 (MANE Select); coding-DNA position 1536, G replaced by A.
Protein change: p.Pro512=; no amino-acid change (proline 512 retained).
Molecular consequence: synonymous variant.
Genome position (GRCh38, 1-based): chr2:108,751,608, G>A. VCF-style: chr2-108751608-G-A. GRCh37 (hg19) VCF-style: chr2-109368064-G-A.
Identifiers: ClinVar variation 1166292 (VCV001166292.16), dbSNP rs370400502, ClinGen allele CA1822351.